The following is an entry in ClinVar:

ClinVar aggregate classification (germline): Benign/Likely benign. Review status: criteria provided, multiple submitters, no conflicts (2 of 4 stars). 6 submissions from 6 submitters: Benign (4); Likely benign (2). Last evaluated 2026-02-02.

Conditions:
Meckel-Gruber syndrome. Also called: Dysencephalia splachnocystica; DYSENCEPHALIA SPLANCHNOCYSTICA; GRUBER SYNDROME. Identifiers: Orphanet 564, MedGen C0265215, MONDO:0018921.
Joubert syndrome. Also called: CEREBELLOPARENCHYMAL DISORDER IV; JOUBERT-BOLTSHAUSER SYNDROME; Familial aplasia of the vermis. Identifiers: Orphanet 475, MedGen C5979921, MONDO:0018772.
Meckel syndrome, type 9 (MKS9). Identifiers: Orphanet 564, MedGen C3280155, MONDO:0013630, OMIM 614209.

Allele frequency attached by ClinVar (database versions not stated): gnomAD exomes 0.00492 and 0.01102; ExAC 0.01248; ESP Exome Variant Server 0.01330; gnomAD 0.01478 and 0.01607; TOPMed 0.01619; 1000 Genomes Project 0.03055; 1000 Genomes Project 30x 0.03061.
gnomAD v4.1: 9,787 of 1,614,074 alleles (0.61%); highest among the groups gnomAD compares: South Asian, 5.3%; 246 homozygotes.

Submissions (6):

Labcorp Genetics (formerly Invitae), Labcorp
Classification: Benign for Joubert syndrome; Meckel-Gruber syndrome. Last evaluated: 2026-02-02. Review status: criteria provided, single submitter. Criteria: Invitae Variant Classification Sherloc (09022015). Collection method: clinical testing. Allele origin: germline.

Mayo Clinic Laboratories, Mayo Clinic
Classification: Benign. Last evaluated: 2023-04-10. Review status: criteria provided, single submitter. Criteria: ACMG Guidelines, 2015. Collection method: clinical testing. Allele origin: germline. Observed: 1 variant allele.

Illumina Laboratory Services, Illumina
Classification: Likely benign for Meckel syndrome, type 9. Last evaluated: 2018-01-13. Review status: criteria provided, single submitter. Criteria: ICSL Variant Classification Criteria 13 December 2019. Collection method: clinical testing. Allele origin: germline.
Comment: This variant was observed in the ICSL laboratory as part of a predisposition screen in an ostensibly healthy population. It had not been previously curated by ICSL or reported in the Human Gene Mutation Database (HGMD: prior to June 1st, 2018), and was therefore a candidate for classification through an automated scoring system. Utilizing variant allele frequency, disease prevalence and penetrance estimates, and inheritance mode, an automated score was calculated to assess if this variant is too frequent to cause the disease. Based on the score and internal cut-off values, a variant classified as likely benign is not then subjected to further curation. The score for this variant resulted in a classification of likely benign for this disease.

GeneDx
Classification: Benign. Last evaluated: 2016-05-25. Review status: criteria provided, single submitter. Criteria: GeneDx Variant Classification (06012015). Collection method: clinical testing. Allele origin: germline. Affected: yes.
Comment: This variant is considered likely benign or benign based on one or more of the following criteria: it is a conservative change, it occurs at a poorly conserved position in the protein, it is predicted to be benign by multiple in silico algorithms, and/or has population frequency not consistent with disease.

Breakthrough Genomics
Classification: Likely benign. Review status: criteria provided, single submitter. Criteria: ACMG Guidelines, 2015. Collection method: not provided. Allele origin: germline. Inheritance: Autosomal recessive inheritance. Affected: yes.

PreventionGenetics, part of Exact Sciences
Classification: Benign. Review status: criteria provided, single submitter. Criteria: ACMG Guidelines, 2015. Collection method: clinical testing. Allele origin: germline.

NM_015681.6(B9D1):c.580T>C (p.Leu194=)

Gene: B9D1 (B9 domain containing 1; minus strand). Cytogenetic location: 17p11.2.
Variant type: single nucleotide variant.
Coding change: c.580T>C on transcript NM_015681.6 (MANE Select); coding-DNA position 580, T replaced by C.
Protein change: p.Leu194=; no amino-acid change (leucine 194 retained).
Molecular consequence: synonymous variant. On other transcripts: 3 prime UTR variant (2), intron variant (4).
Genome position (GRCh38, 1-based): chr17:19,343,354, A>G on the plus strand (T>C on the coding strand, the complement: B9D1 is on the minus strand). VCF-style: chr17-19343354-A-G. GRCh37 (hg19) VCF-style: chr17-19246667-A-G.
Other names: p.Leu194=; c.580T>C (NM_015681.5); c.*105T>C (NM_001321214.2); c.*356T>C (NM_001321215.3); c.112+436T>C (NM_001368769.2); c.404+3915T>C (NM_001321219.2); c.472+436T>C (NM_001321218.2, NM_001321217.2).
Identifiers: ClinVar variation 260676 (VCV000260676.18), dbSNP rs7212549, ClinGen allele CA8440066.